The following is an entry in ClinVar:

NM_005188.4(CBL):c.829G>T (p.Val277Leu)

Gene: CBL (Cbl proto-oncogene; plus strand). Cytogenetic location: 11q23.3.
Variant type: single nucleotide variant.
Coding change: c.829G>T on transcript NM_005188.4 (MANE Select); coding-DNA position 829, G replaced by T.
Protein change: p.Val277Leu; replaces valine 277 with leucine.
Molecular consequence: missense variant.
Genome position (GRCh38, 1-based): chr11:119,274,913, G>T. VCF-style: chr11-119274913-G-T. GRCh37 (hg19) VCF-style: chr11-119145623-G-T.
Other names: c.829G>T (NM_005188.2); short protein forms V277L.
Identifiers: ClinVar variation 1427866 (VCV001427866.11), dbSNP rs1439017220, ClinGen allele CA382910981.
Genomic context (GRCh38, chr11:119,274,913, plus strand): 5'-AATTGGAACAGCCTTGCTGTAACTCATCCTGGCTACATGGCTTTTTTGACGTATGACGAA[G>T]TGAAAGCTCGGCTCCAGAAATTCATTCACAAACCTGGCAGGTCAGTTCAATGACGCAAAG-3'
Protein context (NP_005179.2, residues 267-287): GYMAFLTYDE[Val277Leu]KARLQKFIHK

ClinVar aggregate classification (germline): Uncertain significance. Review status: criteria provided, multiple submitters, no conflicts (2 of 4 stars). 3 submissions from 3 submitters: Uncertain significance (3). Last evaluated 2026-01-18.

Conditions:
Cardiovascular phenotype. Identifiers: MedGen CN230736.
RASopathy. Also called: Noonan spectrum disorder; rasopathies. Identifiers: Orphanet 536391, MedGen C5555857, MONDO:0021060.

Allele frequency attached by ClinVar (database versions not stated): gnomAD exomes below 0.00001; gnomAD 0.00001.

Submissions (3):

Labcorp Genetics (formerly Invitae), Labcorp
Classification: Uncertain significance for RASopathy. Last evaluated: 2026-01-18. Review status: criteria provided, single submitter. Criteria: Invitae Variant Classification Sherloc (09022015). Collection method: clinical testing. Allele origin: germline.
Comment: This sequence change replaces valine, which is neutral and non-polar, with leucine, which is neutral and non-polar, at codon 277 of the CBL protein (p.Val277Leu). This variant is not present in population databases (gnomAD no frequency). This variant has not been reported in the literature in individuals affected with CBL-related conditions. ClinVar contains an entry for this variant (Variation ID: 1427866). Invitae Evidence Modeling of protein sequence and biophysical properties (such as structural, functional, and spatial information, amino acid conservation, physicochemical variation, residue mobility, and thermodynamic stability) indicates that this missense variant is expected to disrupt CBL protein function with a positive predictive value of 95%. In summary, the available evidence is currently insufficient to determine the role of this variant in disease. Therefore, it has been classified as a Variant of Uncertain Significance.

Ambry Genetics
Classification: Uncertain significance for Cardiovascular phenotype. Last evaluated: 2024-05-21. Review status: criteria provided, single submitter. Criteria: Ambry Variant Classification Scheme 2023. Collection method: clinical testing. Allele origin: germline.
Comment: The p.V277L variant (also known as c.829G>T), located in coding exon 5 of the CBL gene, results from a G to T substitution at nucleotide position 829. The valine at codon 277 is replaced by leucine, an amino acid with highly similar properties. This amino acid position is conserved. In addition, this alteration is predicted to be deleterious by in silico analysis. Based on the available evidence, the clinical significance of this variant remains unclear.

GeneDx
Classification: Uncertain significance. Last evaluated: 2023-04-11. Review status: criteria provided, single submitter. Criteria: GeneDx Variant Classification Process June 2021. Collection method: clinical testing. Allele origin: germline. Affected: yes.
Comment: Not observed at significant frequency in large population cohorts (gnomAD); In silico analysis supports that this missense variant has a deleterious effect on protein structure/function; Has not been previously published as pathogenic or benign to our knowledge